The following is an entry in ClinVar:

ClinVar aggregate classification (germline): Uncertain significance. Review status: criteria provided, multiple submitters, no conflicts (2 of 4 stars). 2 submissions from 2 submitters: Uncertain significance (2). Last evaluated 2026-03-22.

Submissions (2):

GeneDx
Classification: Uncertain significance. Last evaluated: 2026-03-22. Review status: criteria provided, single submitter. Criteria: GeneDx Variant Classification Process June 2021. Collection method: clinical testing. Allele origin: germline.
Comment: Not observed at significant frequency in large population cohorts (gnomAD); In silico analysis suggests that this missense variant does not alter protein structure/function; Has not been previously published as pathogenic or benign to our knowledge

Labcorp Genetics (formerly Invitae), Labcorp
Classification: Uncertain significance. Last evaluated: 2023-05-30. Review status: criteria provided, single submitter. Criteria: Invitae Variant Classification Sherloc (09022015). Collection method: clinical testing. Allele origin: germline.
Comment: This variant has not been reported in the literature in individuals affected with TAF1-related conditions. This sequence change replaces serine, which is neutral and polar, with arginine, which is basic and polar, at codon 130 of the TAF1 protein (p.Ser130Arg). This variant is not present in population databases (gnomAD no frequency). Advanced modeling of protein sequence and biophysical properties (such as structural, functional, and spatial information, amino acid conservation, physicochemical variation, residue mobility, and thermodynamic stability) performed at Invitae indicates that this missense variant is not expected to disrupt TAF1 protein function. In summary, the available evidence is currently insufficient to determine the role of this variant in disease. Therefore, it has been classified as a Variant of Uncertain Significance.

NM_004606.5(TAF1):c.330C>G (p.Ser110Arg)

Gene: TAF1 (TATA-box binding protein associated factor 1; plus strand). Cytogenetic location: Xq13.1.
Variant type: single nucleotide variant.
Coding change: c.330C>G on transcript NM_004606.5 (MANE Select); coding-DNA position 330, C replaced by G.
Protein change: p.Ser110Arg; replaces serine 110 with arginine.
Molecular consequence: missense variant. On other transcripts: non-coding transcript variant (9).
Genome position (GRCh38, 1-based): chrX:71,368,148, C>G. VCF-style: chrX-71368148-C-G. GRCh37 (hg19) VCF-style: chrX-70587998-C-G.
Other names: c.330C>G, p.Ser110Arg (NM_001286074.2, NM_138923.4); short protein forms S110R.
Identifiers: ClinVar variation 2857298 (VCV002857298.4), dbSNP rs2519995579, ClinGen allele CA413505260.